The following is an entry in ClinVar:

ClinVar aggregate classification (germline): Uncertain significance (1 of 4 stars; one submission).

gnomAD v4.1: 2 of 1,613,978 alleles (0.00012%); highest among the groups gnomAD compares: African/African-American, 0.0027%; no homozygotes.

Submission:

Ambry Genetics
Classification: Uncertain significance. Last evaluated: 2026-06-23. Review status: criteria provided, single submitter. Criteria: Ambry Variant Classification Scheme 2023. Collection method: clinical testing. Allele origin: germline.
Comment: The c.828T>A (p.D276E) alteration is located in exon 5 (coding exon 5) of the ARID5B gene. This alteration results from a T to A substitution at nucleotide position 828, causing the aspartic acid (D) at amino acid position 276 to be replaced by a glutamic acid (E). Based on data from gnomAD, the A allele has an overall frequency of 0.003% (1/31404) total alleles studied. The highest observed frequency was 0.012% (1/8710) of African alleles. Based on insufficient or conflicting evidence, the clinical significance of this alteration remains unclear.

NM_032199.3(ARID5B):c.828T>A (p.Asp276Glu)

Genes: ARID5B (AT-rich interaction domain 5B; plus strand), LOC126860943 (BRD4-independent group 4 enhancer GRCh37_chr10:63810242-63811441; plus strand). Cytogenetic location: 10q21.2.
Variant type: single nucleotide variant.
Coding change: c.828T>A on transcript NM_032199.3 (MANE Select); coding-DNA position 828, T replaced by A.
Protein change: p.Asp276Glu; replaces aspartic acid 276 with glutamic acid.
Molecular consequence: missense variant.
Genome position (GRCh38, 1-based): chr10:62,050,982, T>A. VCF-style: chr10-62050982-T-A. GRCh37 (hg19) VCF-style: chr10-63810741-T-A.
Other names: c.99T>A, p.Asp33Glu (NM_001244638.2); short protein forms D276E, D33E.
Identifiers: ClinVar variation 5029386 (VCV005029386.1).
Genomic context (GRCh38, chr10:62,050,982, plus strand): 5'-ACCATGCCCACAAAGAAGAGATTCATTCAGTGGTGTTAAGGATTCCAACAACAATTCCGA[T>A]GGCAAAGCCGTTGCCAAGGTACGGTCATTCACTCCACGGTATTCATTTCGTTGCATCTTT-3'
Protein context (NP_115575.1, residues 266-286): SGVKDSNNNS[Asp276Glu]GKAVAKVKCE